The following is an entry in ClinVar:

NM_001366385.1(CARD14):c.239G>A (p.Arg80Gln)

Gene: CARD14 (caspase recruitment domain family member 14; plus strand). Cytogenetic location: 17q25.3.
Variant type: single nucleotide variant.
Coding change: c.239G>A on transcript NM_001366385.1 (MANE Select); coding-DNA position 239, G replaced by A.
Protein change: p.Arg80Gln; replaces arginine 80 with glutamine.
Molecular consequence: missense variant. On other transcripts: non-coding transcript variant (1).
Genome position (GRCh38, 1-based): chr17:80,182,680, G>A. VCF-style: chr17-80182680-G-A. GRCh37 (hg19) VCF-style: chr17-78156479-G-A.
Other names: c.239G>A, p.Arg80Gln (NM_001257970.1, NM_024110.4); short protein forms R80Q.
Identifiers: ClinVar variation 1516066 (VCV001516066.7), dbSNP rs1598636867, ClinGen allele CA401332529.

ClinVar aggregate classification (germline): Uncertain significance. Review status: criteria provided, multiple submitters, no conflicts (2 of 4 stars). 2 submissions from 2 submitters: Uncertain significance (2). Last evaluated 2024-11-04.

Conditions:
Pityriasis rubra pilaris (PRP). Also called: Pityriasis rubra pilaris--familial type. Identifiers: Orphanet 2897, MedGen C0032027, MONDO:0100017, OMIM 173200, MONDO:0008251.
Psoriasis 2. Identifiers: MedGen C1864497, MONDO:0011269, OMIM 602723.

Allele frequency attached by ClinVar (database versions not stated): gnomAD 0.00001; gnomAD exomes 0.00001.
gnomAD v4.1: 19 of 1,614,022 alleles (0.0012%); highest among the groups gnomAD compares: Non-Finnish European, 0.0014%; no homozygotes.

Submissions (2):

Labcorp Genetics (formerly Invitae), Labcorp
Classification: Uncertain significance for Pityriasis rubra pilaris; Psoriasis 2. Last evaluated: 2024-11-04. Review status: criteria provided, single submitter. Criteria: Invitae Variant Classification Sherloc (09022015). Collection method: clinical testing. Allele origin: germline.
Comment: This sequence change replaces arginine, which is basic and polar, with glutamine, which is neutral and polar, at codon 80 of the CARD14 protein (p.Arg80Gln). This variant is not present in population databases (gnomAD no frequency). This variant has not been reported in the literature in individuals affected with CARD14-related conditions. ClinVar contains an entry for this variant (Variation ID: 1516066). Invitae Evidence Modeling of protein sequence and biophysical properties (such as structural, functional, and spatial information, amino acid conservation, physicochemical variation, residue mobility, and thermodynamic stability) indicates that this missense variant is not expected to disrupt CARD14 protein function with a negative predictive value of 95%. In summary, the available evidence is currently insufficient to determine the role of this variant in disease. Therefore, it has been classified as a Variant of Uncertain Significance.

Blueprint Genetics
Classification: Uncertain significance. Last evaluated: 2023-12-12. Review status: criteria provided, single submitter. Criteria: ACMG Guidelines, 2015. Collection method: clinical testing. Allele origin: germline.